The following is an entry in ClinVar:

NM_003060.4(SLC22A5):c.484C>T (p.Gln162Ter)

Gene: SLC22A5 (solute carrier family 22 member 5; plus strand). Cytogenetic location: 5q31.1.
Variant type: single nucleotide variant.
Coding change: c.484C>T on transcript NM_003060.4 (MANE Select); coding-DNA position 484, C replaced by T.
Protein change: p.Gln162Ter; replaces glutamine 162 with a stop codon.
Molecular consequence: nonsense.
Genome position (GRCh38, 1-based): chr5:132,378,468, C>T. VCF-style: chr5-132378468-C-T. GRCh37 (hg19) VCF-style: chr5-131714160-C-T.
Other names: c.556C>T, p.Gln186Ter (NM_001308122.2); short protein forms Q162*, Q186*.
Identifiers: ClinVar variation 3688423 (VCV003688423.3).

ClinVar aggregate classification (germline): Pathogenic (1 of 4 stars; one submission).

Conditions:
Renal carnitine transport defect (CDSP). Also called: CARNITINE DEFICIENCY, SYSTEMIC, DUE TO DEFECT IN RENAL REABSORPTION OF CARNITINE; CARNITINE TRANSPORTER, PLASMA-MEMBRANE, DEFICIENCY OF; CARNITINE UPTAKE DEFECT; Primary carnitine deficiency; Systemic primary carnitine deficiency; Carnitine transporter deficiency. Identifiers: Orphanet 158, MedGen C0342788, MONDO:0008919, OMIM 212140.

Submission:

Labcorp Genetics (formerly Invitae), Labcorp
Classification: Pathogenic for Renal carnitine transport defect. Last evaluated: 2024-11-16. Review status: criteria provided, single submitter. Criteria: Invitae Variant Classification Sherloc (09022015). Collection method: clinical testing. Allele origin: germline.
Comment: This sequence change creates a premature translational stop signal (p.Gln162*) in the SLC22A5 gene. It is expected to result in an absent or disrupted protein product. Loss-of-function variants in SLC22A5 are known to be pathogenic (PMID: 9916797). This variant is not present in population databases (gnomAD no frequency). This variant has not been reported in the literature in individuals affected with SLC22A5-related conditions. For these reasons, this variant has been classified as Pathogenic.

Literature cited by the submitters: PubMed 9916797.